The following is an entry in ClinVar:

NM_000171.4(GLRA1):c.278G>T (p.Arg93Leu)

Gene: GLRA1 (glycine receptor alpha 1; minus strand). Cytogenetic location: 5q33.1.
Variant type: single nucleotide variant.
Coding change: c.278G>T on transcript NM_000171.4 (MANE Select); coding-DNA position 278, G replaced by T.
Protein change: p.Arg93Leu; replaces arginine 93 with leucine.
Molecular consequence: missense variant.
Genome position (GRCh38, 1-based): chr5:151,859,983, C>A on the plus strand (G>T on the coding strand, the complement: GLRA1 is on the minus strand). VCF-style: chr5-151859983-C-A. GRCh37 (hg19) VCF-style: chr5-151239544-C-A.
Other names: c.278G>T, p.Arg93Leu (NM_001146040.2); c.29G>T, p.Arg10Leu (NM_001292000.2); short protein forms R93L, R10L.
Identifiers: ClinVar variation 2136350 (VCV002136350.4), dbSNP rs1165958512, ClinGen allele CA361842226.

ClinVar aggregate classification (germline): Pathogenic (1 of 4 stars; one submission).

Conditions:
Hereditary hyperekplexia. Identifiers: Orphanet 3197, MedGen C4084968, MONDO:0021022.

Allele frequency attached by ClinVar (database versions not stated): gnomAD 0.00001.

Submission:

Labcorp Genetics (formerly Invitae), Labcorp
Classification: Pathogenic for Hereditary hyperekplexia. Last evaluated: 2022-09-07. Review status: criteria provided, single submitter. Criteria: Invitae Variant Classification Sherloc (09022015). Collection method: clinical testing. Allele origin: germline.
Comment: This sequence change replaces arginine, which is basic and polar, with leucine, which is neutral and non-polar, at codon 93 of the GLRA1 protein (p.Arg93Leu). This variant is not present in population databases (gnomAD no frequency). This missense change has been observed in individual(s) with autosomal recessive hyperekplexia (PMID: 20631190). In at least one individual the data is consistent with being in trans (on the opposite chromosome) from a pathogenic variant. This variant is also known as R65L. Advanced modeling of protein sequence and biophysical properties (such as structural, functional, and spatial information, amino acid conservation, physicochemical variation, residue mobility, and thermodynamic stability) performed at Invitae indicates that this missense variant is expected to disrupt GLRA1 protein function. Experimental studies have shown that this missense change affects GLRA1 function (PMID: 20631190). This variant disrupts the p.Arg93 amino acid residue in GLRA1. Other variant(s) that disrupt this residue have been determined to be pathogenic (PMID: 20631190, 24108130). This suggests that this residue is clinically significant, and that variants that disrupt this residue are likely to be disease-causing. For these reasons, this variant has been classified as Pathogenic.

Literature cited by the submitters: PubMed 20631190; PubMed 24108130.